The following is an entry in ClinVar:

NM_007294.4(BRCA1):c.135-4533T>C

Gene: BRCA1 (BRCA1 DNA repair associated; minus strand). Cytogenetic location: 17q21.31.
Variant type: single nucleotide variant.
Coding change: c.135-4533T>C on transcript NM_007294.4 (MANE Select); 4533 bases into the intron before coding-DNA position 135, T replaced by C.
Molecular consequence: intron variant.
Genome position (GRCh38, 1-based): chr17:43,111,066, A>G on the plus strand (T>C on the coding strand, the complement: BRCA1 is on the minus strand). VCF-style: chr17-43111066-A-G. GRCh37 (hg19) VCF-style: chr17-41263083-A-G.
Other names: IVS 3-4533T>C; c.-7-4533T>C (NM_001408458.1, NM_001407931.1, NM_001407747.1 and 81 more transcripts); c.-219+14211T>C (NM_001407967.1); c.-169-6110T>C (NM_001407959.1, NM_001407963.1); c.-170+4660T>C (NM_001407962.1, NM_001408512.1, NM_001408510.1 and 1 more transcripts); c.-54-4533T>C (NM_001407885.1, NM_001407886.1, NM_001407898.1 and 55 more transcripts); c.-123-486T>C (NM_001407746.1, NM_001408468.1, NM_001407842.1 and 13 more transcripts); c.135-4533T>C (NM_001407686.1, NM_001408397.1, NM_001407632.1 and 167 more transcripts); and 8 more.
Identifiers: ClinVar variation 209513 (VCV000209513.2), dbSNP rs147766773, ClinGen allele CA276482.
Genomic context (GRCh38, chr17:43,111,066, plus strand): 5'-CAGGAGAATCACTTGAACCAGAGAGGCAGAGGCTGCAGTGAGCCGAGATTGTACCACTGC[A>G]CTCCAGCCTGGGCAACAGAACAAGACTCCATCTCAAAAAAAAAAAAAAAAGTATTACACA-3'

ClinVar aggregate classification (germline): Benign (3 of 4 stars; one submission).

Conditions:
Breast-ovarian cancer, familial, susceptibility to, 1 (BROVCA1). Also called: BRCA1 Hereditary Breast and Ovarian Cancer; OVARIAN CANCER, SUSCEPTIBILITY TO. Identifiers: Orphanet 145, MedGen C2676676, MONDO:0011450, OMIM 604370. Disease mechanism: loss of function.

Allele frequency attached by ClinVar (database versions not stated): 1000 Genomes Project 0.00719; gnomAD 0.00743 and 0.00810; 1000 Genomes Project 30x 0.00765; TOPMed 0.00836.
gnomAD v4.1: 1,098 of 148,990 alleles (0.74%); highest among the groups gnomAD compares: African/African-American, 2.6%; 19 homozygotes.

Submission:

Evidence-based Network for the Interpretation of Germline Mutant Alleles (ENIGMA)
Classification: Benign for Breast-ovarian cancer, familial 1. Last evaluated: 2015-01-12. Review status: reviewed by expert panel. Criteria: ENIGMA BRCA1/2 Classification Criteria (2015). Collection method: curation. Allele origin: germline.
Comment: Class 1 not pathogenic based on frequency >1% in an outbred sampleset. Frequency 0.03252 (African), derived from 1000 genomes (2012-04-30).